The following is an entry in ClinVar:

ClinVar aggregate classification (germline): Uncertain significance (1 of 4 stars; one submission).

Submission:

GeneDx
Classification: Uncertain significance. Last evaluated: 2022-08-04. Review status: criteria provided, single submitter. Criteria: GeneDx Variant Classification Process June 2021. Collection method: clinical testing. Allele origin: germline. Affected: yes.
Comment: In silico analysis supports that this missense variant has a deleterious effect on protein structure/function; Not observed in large population cohorts (gnomAD); Has not been previously published as pathogenic or benign to our knowledge

NM_001330288.2(SMARCC2):c.1889G>A (p.Arg630His)

Gene: SMARCC2 (SWI/SNF related, matrix associated, actin dependent regulator of chromatin subfamily c member 2; minus strand). Cytogenetic location: 12q13.2.
Variant type: single nucleotide variant.
Coding change: c.1889G>A on transcript NM_001330288.2 (MANE Select); coding-DNA position 1889, G replaced by A.
Protein change: p.Arg630His; replaces arginine 630 with histidine.
Molecular consequence: missense variant.
Genome position (GRCh38, 1-based): chr12:56,172,465, C>T on the plus strand (G>A on the coding strand, the complement: SMARCC2 is on the minus strand). VCF-style: chr12-56172465-C-T. GRCh37 (hg19) VCF-style: chr12-56566249-C-T.
Other names: c.1889G>A, p.Arg630His (NM_001130420.3, NM_139067.4); c.1796G>A, p.Arg599His (NM_003075.5); short protein forms R599H, R630H.
Identifiers: ClinVar variation 1700456 (VCV001700456.2), dbSNP rs2135688098, ClinGen allele CA385344833.